The following is an entry in ClinVar:

NM_001267550.2(TTN):c.55161_55164dup (p.Val18389fs)

Genes: TTN (titin; minus strand), TTN-AS1 (TTN antisense RNA 1; plus strand). Cytogenetic location: 2q31.2.
Variant type: Duplication.
Coding change: c.55161_55164dup on transcript NM_001267550.2 (MANE Select); coding-DNA positions 55161 to 55164, 4 bases duplicated (TCTG; older notation c.55161_55164dupTCTG).
Protein change: p.Val18389fs; shifts the reading frame from valine 18389.
Molecular consequence: frameshift variant.
Genome position (GRCh38, 1-based): chr2:178,602,107-178,602,110, CAGA duplicated on the plus strand (TCTG on the coding strand, the reverse complement: TTN is on the minus strand); duplicating any 4 consecutive bases within chr2:178,602,107-178,602,113 gives the same sequence; the c. name uses the placement nearest the transcript's 3' end. VCF-style (leftmost placement, unchanged base first): chr2-178602106-C-CCAGA. GRCh37 (hg19) VCF-style: chr2-179466833-C-CCAGA.
Other names: c.55161_55164dupTCTG (NM_001267550.2); c.27966_27969dup, p.Val9324fs (NM_003319.4); c.47457_47460dup, p.Val15821fs (NM_133378.4); c.28341_28344dup, p.Val9449fs (NM_133432.3); c.28542_28545dup, p.Val9516fs (NM_133437.4); c.50238_50241dup, p.Val16748fs (NM_001256850.1); short protein forms V15821fs, V16748fs, V18389fs, V9324fs, V9449fs, V9516fs.
Identifiers: ClinVar variation 3346655 (VCV003346655.1).
Genomic context (GRCh38, chr2:178,602,106, plus strand): 5'-TTGGTGTTGGGCGTCCCTTGATGACAGCAGGAATCCTAATCTGTGAGCCAGCTTTACAAA[C>CCAGA]CAGACAGTCCTGTGCTCCAATGTCAATGAAAACTTCTGGTTCCTCTGTAATACCACATAC-3'

ClinVar aggregate classification (germline): Likely pathogenic (0 of 4 stars; one submission).

Conditions:
TTN-related disorder. Also called: TTN-related disorders; TTN-related condition; TTN-related disease.

Submission:

PreventionGenetics, part of Exact Sciences
Classification: Likely pathogenic for TTN-related condition. Last evaluated: 2024-04-29. Review status: no assertion criteria provided. Collection method: clinical testing. Allele origin: germline.
Comment: The TTN c.55161_55164dupTCTG variant is predicted to result in a frameshift and premature protein termination (p.Val18389Serfs*4). To our knowledge, this variant has not been reported in the literature or in a large population database, indicating this variant is rare. This variant is located in the A-band region of the protein in which truncating TTN variants have been found more frequently in dilated cardiomyopathy patients than in controls (Herman et al. 2012. PubMed ID: 22335739). RNAseq studies from heart tissue indicate this exon is commonly included in TTN mRNA transcripts (PSI of 90%-100%); however, this analysis in muscle tissue was not performed (Roberts et al. 2015. PMID: 25589632). TTN truncating variants are reported in 1-2% of presumably healthy individuals and occur more frequently in exons with low PSI values, indicating this variant is more likely to be disease causing (Herman et al. 2012. PMID: 22335739; Roberts et al. 2015. PMID: 25589632). In summary, this variant is interpreted as likely pathogenic for both autosomal dominant and autosomal recessive TTN-related disorders.